The following is an entry in ClinVar:

NM_080632.3(UPF3B):c.263G>A (p.Ser88Asn)

Gene: UPF3B (UPF3B regulator of nonsense mediated mRNA decay; minus strand). Cytogenetic location: Xq24.
Variant type: single nucleotide variant.
Coding change: c.263G>A on transcript NM_080632.3 (MANE Select); coding-DNA position 263, G replaced by A.
Protein change: p.Ser88Asn; replaces serine 88 with asparagine.
Molecular consequence: missense variant.
Genome position (GRCh38, 1-based): chrX:119,851,767, C>T on the plus strand (G>A on the coding strand, the complement: UPF3B is on the minus strand). VCF-style: chrX-119851767-C-T. GRCh37 (hg19) VCF-style: chrX-118985730-C-T.
Other names: c.263G>A, p.Ser88Asn (NM_023010.4); short protein forms S88N.
Identifiers: ClinVar variation 4686503 (VCV004686503.1).

ClinVar aggregate classification (germline): Uncertain significance (1 of 4 stars; one submission).

Submission:

GeneDx
Classification: Uncertain significance. Last evaluated: 2025-07-18. Review status: criteria provided, single submitter. Criteria: GeneDx Variant Classification Process June 2021. Collection method: clinical testing. Allele origin: germline. Affected: yes.
Comment: Alters the last nucleotide of the exon and is predicted to destroy the splice donor site and result in aberrant splicing, although in the absence of functional evidence the actual effect of this sequence change is unknown; Has not been previously published as pathogenic or benign to our knowledge